The following is an entry in ClinVar:

NM_001375808.2(LPIN2):c.2261A>G (p.Lys754Arg)

Gene: LPIN2 (lipin 2; minus strand). Cytogenetic location: 18p11.31.
Variant type: single nucleotide variant.
Coding change: c.2261A>G on transcript NM_001375808.2 (MANE Select); coding-DNA position 2261, A replaced by G.
Protein change: p.Lys754Arg; replaces lysine 754 with arginine.
Molecular consequence: missense variant.
Genome position (GRCh38, 1-based): chr18:2,922,113, T>C on the plus strand (A>G on the coding strand, the complement: LPIN2 is on the minus strand). VCF-style: chr18-2922113-T-C. GRCh37 (hg19) VCF-style: chr18-2922111-T-C.
Other names: c.2261A>G, p.Lys754Arg (NM_001375809.1, NM_014646.2); short protein forms K754R.
Identifiers: ClinVar variation 836735 (VCV000836735.10), dbSNP rs1028913918, ClinGen allele CA295494467.
Genomic context (GRCh38, chr18:2,922,113, plus strand): 5'-AAGGCGGAGAACAAGCTGCTGGGGGACAGCATCAGGGGGCCCCGGGGCAAGATTGTGCCC[T>C]TGTCATTGACCCAGTGCAGGTAGCCACGGGTCATGTCGGCCATGCCGATGGCACGAGCCG-3'
Protein context (NP_001362737.1, residues 744-764): TRGYLHWVND[Lys754Arg]GTILPRGPLM

ClinVar aggregate classification (germline): Uncertain significance (1 of 4 stars; one submission).

Conditions:
Majeed syndrome (MJDS). Also called: LPIN2-Related Majeed Syndrome; CHRONIC RECURRENT MULTIFOCAL OSTEOMYELITIS 1, WITH CONGENITAL DYSERYTHROPOIETIC ANEMIA, WITH OR WITHOUT NEUTROPHILIC DERMATOSIS. Identifiers: Orphanet 77297, MedGen C1864997, MONDO:0012316, OMIM 609628.

Allele frequency attached by ClinVar (database versions not stated): gnomAD exomes 0.00001; TOPMed 0.00003; gnomAD 0.00005 and 0.00006.
gnomAD v4.1: 14 of 1,613,962 alleles (0.00087%); highest among the groups gnomAD compares: African/African-American, 0.015%; no homozygotes.

Submission:

Labcorp Genetics (formerly Invitae), Labcorp
Classification: Uncertain significance for Majeed syndrome. Last evaluated: 2022-01-13. Review status: criteria provided, single submitter. Criteria: Invitae Variant Classification Sherloc (09022015). Collection method: clinical testing. Allele origin: germline.
Comment: In summary, the available evidence is currently insufficient to determine the role of this variant in disease. Therefore, it has been classified as a Variant of Uncertain Significance. Algorithms developed to predict the effect of sequence changes on RNA splicing suggest that this variant may create or strengthen a splice site. Algorithms developed to predict the effect of missense changes on protein structure and function (SIFT, PolyPhen-2, Align-GVGD) all suggest that this variant is likely to be tolerated. ClinVar contains an entry for this variant (Variation ID: 836735). This variant has not been reported in the literature in individuals affected with LPIN2-related conditions. This variant is present in population databases (no rsID available, gnomAD 0.02%). This sequence change replaces lysine, which is basic and polar, with arginine, which is basic and polar, at codon 754 of the LPIN2 protein (p.Lys754Arg).